The following is an entry in ClinVar:

ClinVar aggregate classification (germline): Pathogenic. Review status: criteria provided, single submitter (1 of 4 stars). 2 submissions from 2 submitters: Pathogenic (1). 1 of the submissions does not count toward it. Last evaluated 2023-09-08.

Conditions:
Curry-Hall syndrome (WAD). Also called: WEYERS ACRODENTAL DYSOSTOSIS. Identifiers: Orphanet 952, MedGen C0457013, MONDO:0008673, OMIM 193530.
Ellis-van Creveld syndrome (EVC). Also called: Chondroectodermal dysplasia; EVC-Related Ellis-van Creveld Syndrome; EVC2-Related Ellis-van Creveld Syndrome; MESOECTODERMAL DYSPLASIA. Identifiers: Orphanet 289, MedGen C0013903, MONDO:0009162, OMIM 225500.

Submissions (2):

Labcorp Genetics (formerly Invitae), Labcorp
Classification: Pathogenic for Curry-Hall syndrome; Ellis-van Creveld syndrome. Last evaluated: 2023-09-08. Review status: criteria provided, single submitter. Criteria: Invitae Variant Classification Sherloc (09022015). Collection method: clinical testing. Allele origin: germline.
Comment: This sequence change creates a premature translational stop signal (p.Ser916Alafs*6) in the EVC2 gene. It is expected to result in an absent or disrupted protein product. Loss-of-function variants in EVC2 are known to be pathogenic (PMID: 17024374, 19810119, 19876929). This variant is present in population databases (no rsID available, gnomAD 0.0009%). This premature translational stop signal has been observed in individual(s) with Ellis–van Creveld syndrome (PMID: 17024374). ClinVar contains an entry for this variant (Variation ID: 219180). For these reasons, this variant has been classified as Pathogenic.

Centre for Genomic and Experimental Medicine, University of Edinburgh
Classification: Pathogenic for Ellis-van Creveld syndrome. Review status: no assertion criteria provided. Collection method: research. Allele origin: inherited. Inheritance: Autosomal recessive inheritance. Affected: yes. Observed: 1 variant allele. Not counted in ClinVar's aggregate classification.

Literature cited by the submitters: PubMed 17024374 (cited by Labcorp Genetics (formerly Invitae), Labcorp and Centre for Genomic and Experimental Medicine, University of Edinburgh); PubMed 19810119 (cited by Labcorp Genetics (formerly Invitae), Labcorp); PubMed 19876929 (cited by Labcorp Genetics (formerly Invitae), Labcorp); PubMed 27280866 (cited by Centre for Genomic and Experimental Medicine, University of Edinburgh).

NM_147127.5(EVC2):c.2746del (p.Ser916fs)

Gene: EVC2 (EvC ciliary complex subunit 2; minus strand). Cytogenetic location: 4p16.2.
Variant type: Deletion.
Coding change: c.2746del on transcript NM_147127.5 (MANE Select); coding-DNA position 2746, one base deleted (A; older notation c.2746delA).
Protein change: p.Ser916fs; shifts the reading frame from serine 916.
Molecular consequence: frameshift variant.
Genome position (GRCh38, 1-based): chr4:5,615,505, T deleted on the plus strand (A on the coding strand, the reverse complement: EVC2 is on the minus strand); the first of 4 consecutive T bases (chr4:5,615,505-5,615,508); deleting any one gives the same sequence. VCF-style (leftmost placement, unchanged base first): chr4-5615504-CT-C. GRCh37 (hg19) VCF-style: chr4-5617231-CT-C.
Other names: c.2506del, p.Ser836fs (NM_001166136.2); short protein forms S836fs, S916fs.
Identifiers: ClinVar variation 219180 (VCV000219180.7), dbSNP rs886037763, ClinGen allele CA10575840.